The following is an entry in ClinVar:

NM_001079.4(ZAP70):c.1247dup (p.Met416fs)

Gene: ZAP70 (zeta chain of T cell receptor associated protein kinase 70; plus strand). Cytogenetic location: 2q11.2.
Variant type: Duplication.
Coding change: c.1247dup on transcript NM_001079.4 (MANE Select); coding-DNA position 1247, one base duplicated (T; older notation c.1247dupT).
Protein change: p.Met416fs; shifts the reading frame from methionine 416.
Molecular consequence: frameshift variant.
Genome position (GRCh38, 1-based): chr2:97,735,414, T duplicated. VCF-style (leftmost placement, unchanged base first): chr2-97735413-A-AT. GRCh37 (hg19) VCF-style: chr2-98351876-A-AT.
Other names: c.1247dupT (NM_001079.3); c.1247dup, p.Met416fs (NM_001378594.1); c.326dup, p.Met109fs (NM_207519.2); short protein forms M109fs, M416fs.
Identifiers: ClinVar variation 567226 (VCV000567226.9), dbSNP rs1559328006, ClinGen allele CA891843192.

ClinVar aggregate classification (germline): Pathogenic (1 of 4 stars; one submission).

Conditions:
Combined immunodeficiency due to ZAP70 deficiency (IMD48). Also called: Immunodeficiency 48; ZAP70 Deficiency. Identifiers: Orphanet 911, MedGen C2931299, MONDO:0010023, OMIM 269840.

Submission:

Labcorp Genetics (formerly Invitae), Labcorp
Classification: Pathogenic for Combined immunodeficiency due to ZAP70 deficiency. Last evaluated: 2022-08-08. Review status: criteria provided, single submitter. Criteria: Invitae Variant Classification Sherloc (09022015). Collection method: clinical testing. Allele origin: germline.
Comment: For these reasons, this variant has been classified as Pathogenic. ClinVar contains an entry for this variant (Variation ID: 567226). This variant has not been reported in the literature in individuals affected with ZAP70-related conditions. This variant is not present in population databases (gnomAD no frequency). This sequence change creates a premature translational stop signal (p.Met416Ilefs*46) in the ZAP70 gene. It is expected to result in an absent or disrupted protein product. Loss-of-function variants in ZAP70 are known to be pathogenic (PMID: 8202712).

Literature cited by the submitters: PubMed 8202712.